The following is an entry in ClinVar:

ClinVar aggregate classification (germline): Conflicting classifications of pathogenicity. Review status: criteria provided, conflicting classifications (1 of 4 stars). 7 submissions from 7 submitters: Uncertain significance (5); Benign (1); Likely benign (1). Last evaluated 2026-01-31.

Conditions:
Patterned macular dystrophy 2. Identifiers: Orphanet 99001, MedGen C1837029, MONDO:0012162, OMIM 608970.
Hereditary cancer-predisposing syndrome. Also called: Neoplastic Syndromes, Hereditary; Hereditary Cancer Syndrome; Tumor predisposition; Hereditary neoplastic syndrome. Identifiers: Orphanet 140162, MedGen C0027672, MeSH D009386, MONDO:0015356.
Hereditary nonpolyposis colon cancer (HNPCC). Also called: Hereditary nonpolyposis colorectal cancer; Familial nonpolyposis colon cancer; Hereditary Nonpolyposis Colorectal Cancer Syndrome. Identifiers: Orphanet 443909, MedGen C1333990, MONDO:0018630. Disease mechanism: loss of function.

Allele frequency attached by ClinVar (database versions not stated): gnomAD 0.00001; TOPMed 0.00003; gnomAD exomes 0.00005 and 0.00009; ExAC 0.00006.
gnomAD v4.1: 78 of 1,614,118 alleles (0.0048%); highest among the groups gnomAD compares: Admixed American, 0.025%; no homozygotes.

Submissions (7):

Labcorp Genetics (formerly Invitae), Labcorp
Classification: Uncertain significance. Last evaluated: 2026-01-31. Review status: criteria provided, single submitter. Criteria: Invitae Variant Classification Sherloc (09022015). Collection method: clinical testing. Allele origin: germline.
Comment: This sequence change replaces tyrosine, which is neutral and polar, with cysteine, which is neutral and slightly polar, at codon 237 of the CTNNA1 protein (p.Tyr237Cys). This variant is present in population databases (rs751967797, gnomAD 0.03%), and has an allele count higher than expected for a pathogenic variant. This missense change has been observed in individual(s) with breast cancer (PMID: 34326862, 35957908). ClinVar contains an entry for this variant (Variation ID: 652567). Invitae Evidence Modeling of protein sequence and biophysical properties (such as structural, functional, and spatial information, amino acid conservation, physicochemical variation, residue mobility, and thermodynamic stability) has been performed for this missense variant. However, the output from this modeling did not meet the statistical confidence thresholds required to predict the impact of this variant on CTNNA1 protein function. RNA analysis performed to evaluate the impact of this missense change on mRNA splicing indicates it does not significantly alter splicing (internal data). In summary, the available evidence is currently insufficient to determine the role of this variant in disease. Therefore, it has been classified as a Variant of Uncertain Significance.

Center for Genomic Medicine, Rigshospitalet, Copenhagen University Hospital
Classification: Uncertain significance. Last evaluated: 2025-12-29. Review status: criteria provided, single submitter. Criteria: ACMG Guidelines, 2015. Collection method: clinical testing. Allele origin: germline.
Comment: Classification criteria: BP4

Blueprint Genetics
Classification: Likely benign. Last evaluated: 2024-08-20. Review status: criteria provided, single submitter. Criteria: ACMG Guidelines, 2015. Collection method: clinical testing. Allele origin: germline.

GeneDx
Classification: Uncertain significance. Last evaluated: 2024-02-05. Review status: criteria provided, single submitter. Criteria: GeneDx Variant Classification Process June 2021. Collection method: clinical testing. Allele origin: germline. Affected: yes.
Comment: In silico analysis supports that this missense variant does not alter protein structure/function; Observed in an individual with breast cancer (PMID: 35957908); This variant is associated with the following publications: (PMID: 32051609, 35957908)

Baylor Genetics
Classification: Uncertain significance for Patterned macular dystrophy 2. Last evaluated: 2023-10-23. Review status: criteria provided, single submitter. Criteria: ACMG Guidelines, 2015. Collection method: clinical testing. Allele origin: unknown.

Department of Pathology and Laboratory Medicine, Sinai Health System
Classification: Uncertain significance for hereditary nonpolyposis colon cancer. Last evaluated: 2023-09-18. Review status: criteria provided, single submitter. Criteria: ACMG Guidelines, 2015. Collection method: clinical testing. Allele origin: germline. Affected: yes.

Ambry Genetics
Classification: Benign for Hereditary cancer-predisposing syndrome. Last evaluated: 2022-02-16. Review status: criteria provided, single submitter. Criteria: Ambry Variant Classification Scheme 2023. Collection method: clinical testing. Allele origin: germline.

Literature cited by the submitters: PubMed 34326862 (cited by Labcorp Genetics (formerly Invitae), Labcorp); PubMed 35957908 (cited by Labcorp Genetics (formerly Invitae), Labcorp).

NM_001903.5(CTNNA1):c.710A>G (p.Tyr237Cys)

Gene: CTNNA1 (catenin alpha 1; plus strand). Cytogenetic location: 5q31.2.
Variant type: single nucleotide variant.
Coding change: c.710A>G on transcript NM_001903.5 (MANE Select); coding-DNA position 710, A replaced by G.
Protein change: p.Tyr237Cys; replaces tyrosine 237 with cysteine.
Molecular consequence: missense variant.
Genome position (GRCh38, 1-based): chr5:138,824,651, A>G. VCF-style: chr5-138824651-A-G. GRCh37 (hg19) VCF-style: chr5-138160340-A-G.
Other names: c.710A>G, p.Tyr237Cys (NM_001290307.3, NM_001323982.2, NM_001323983.1 and 3 more transcripts); c.401A>G, p.Tyr134Cys (NM_001290309.3); c.341A>G, p.Tyr114Cys (NM_001290310.3); short protein forms Y114C, Y237C, Y134C.
Identifiers: ClinVar variation 652567 (VCV000652567.16), dbSNP rs751967797, ClinGen allele CA3431536.